The following is an entry in ClinVar:

NM_000170.3(GLDC):c.1446C>G (p.Asp482Glu)

Gene: GLDC (glycine decarboxylase; minus strand). Cytogenetic location: 9p24.1.
Variant type: single nucleotide variant.
Coding change: c.1446C>G on transcript NM_000170.3 (MANE Select); coding-DNA position 1446, C replaced by G.
Protein change: p.Asp482Glu; replaces aspartic acid 482 with glutamic acid.
Molecular consequence: missense variant.
Genome position (GRCh38, 1-based): chr9:6,592,179, G>C on the plus strand (C>G on the coding strand, the complement: GLDC is on the minus strand). VCF-style: chr9-6592179-G-C. GRCh37 (hg19) VCF-style: chr9-6592179-G-C.
Other names: short protein forms D482E.
Identifiers: ClinVar variation 957053 (VCV000957053.6), dbSNP rs201147701, ClinGen allele CA188665574.

ClinVar aggregate classification (germline): Uncertain significance (1 of 4 stars; one submission).

Conditions:
Glycine encephalopathy. Also called: Nonketotic hyperglycinemia; Non-ketotic hyperglycinemia. Identifiers: Orphanet 407, MedGen C0751748, MONDO:0011612, HP:0008288.

Allele frequency attached by ClinVar (database versions not stated): TOPMed 0.00001.
gnomAD v4.1: 13 of 1,607,696 alleles (0.00081%); highest among the groups gnomAD compares: Non-Finnish European, 0.0011%; no homozygotes.

Submission:

Labcorp Genetics (formerly Invitae), Labcorp
Classification: Uncertain significance for Glycine encephalopathy. Last evaluated: 2021-08-28. Review status: criteria provided, single submitter. Criteria: Invitae Variant Classification Sherloc (09022015). Collection method: clinical testing. Allele origin: germline.
Comment: This sequence change replaces aspartic acid with glutamic acid at codon 482 of the GLDC protein (p.Asp482Glu). The aspartic acid residue is moderately conserved and there is a small physicochemical difference between aspartic acid and glutamic acid. This variant is not present in population databases (ExAC no frequency). This variant has not been reported in the literature in individuals affected with GLDC-related conditions. Algorithms developed to predict the effect of missense changes on protein structure and function are either unavailable or do not agree on the potential impact of this missense change (SIFT: "Tolerated"; PolyPhen-2: "Probably Damaging"; Align-GVGD: "Class C0"). In summary, the available evidence is currently insufficient to determine the role of this variant in disease. Therefore, it has been classified as a Variant of Uncertain Significance.